The following is an entry in ClinVar:

NM_000093.5(COL5A1):c.1975G>A (p.Asp659Asn)

Gene: COL5A1 (collagen type V alpha 1 chain; plus strand). Cytogenetic location: 9q34.3.
Variant type: single nucleotide variant.
Coding change: c.1975G>A on transcript NM_000093.5 (MANE Select); coding-DNA position 1975, G replaced by A.
Protein change: p.Asp659Asn; replaces aspartic acid 659 with asparagine.
Molecular consequence: missense variant.
Genome position (GRCh38, 1-based): chr9:134,761,964, G>A. VCF-style: chr9-134761964-G-A. GRCh37 (hg19) VCF-style: chr9-137653810-G-A.
Other names: c.1975G>A, p.Asp659Asn (NM_001278074.1); short protein forms D659N.
Identifiers: ClinVar variation 5009008 (VCV005009008.1).

ClinVar aggregate classification (germline): Uncertain significance (1 of 4 stars; one submission).

gnomAD v4.1: 10 of 1,613,566 alleles (0.00062%); highest among the groups gnomAD compares: South Asian, 0.0099%; 1 homozygote.

Submission:

GeneDx
Classification: Uncertain significance. Last evaluated: 2026-03-17. Review status: criteria provided, single submitter. Criteria: GeneDx Variant Classification Process June 2021. Collection method: clinical testing. Allele origin: germline.
Comment: Occurs in the triple helical domain at the X position in the canonical Gly-X-Y repeat; although this variant may have an effect on normal protein folding and function, missense substitution at the X position is not a common mechanism of disease (PMID: 22696272; HGMD); Not observed at significant frequency in large population cohorts (gnomAD); In silico analysis suggests that this missense variant does not alter protein structure/function; Has not been previously published as pathogenic or benign to our knowledge; This variant is associated with the following publications: (PMID: 22696272)